The following is an entry in ClinVar:

NM_005257.6(GATA6):c.1367G>A (p.Arg456His)

Gene: GATA6 (GATA binding protein 6; plus strand). Cytogenetic location: 18q11.2.
Variant type: single nucleotide variant.
Coding change: c.1367G>A on transcript NM_005257.6 (MANE Select); coding-DNA position 1367, G replaced by A.
Protein change: p.Arg456His; replaces arginine 456 with histidine.
Molecular consequence: missense variant.
Genome position (GRCh38, 1-based): chr18:22,181,517, G>A. VCF-style: chr18-22181517-G-A. GRCh37 (hg19) VCF-style: chr18-19761478-G-A.
Other names: short protein forms R456H.
Identifiers: ClinVar variation 30214 (VCV000030214.12), dbSNP rs387906819, ClinGen allele CA129030.

ClinVar aggregate classification (germline): Pathogenic/Likely pathogenic. Review status: criteria provided, multiple submitters, no conflicts (2 of 4 stars). 5 submissions from 5 submitters: Pathogenic (3); Likely pathogenic (1). 1 of the submissions does not count toward it. Last evaluated 2022-10-16.

Conditions:
Heart defects, congenital, and other congenital anomalies. Also called: Pancreatic hypoplasia-diabetes-congenital heart disease syndrome; PANCREATIC HYPOPLASIA, CONGENITAL, WITH DIABETES MELLITUS AND CONGENITAL HEART DISEASE. Identifiers: Orphanet 2255, MedGen C2931296, MONDO:0010802, OMIM 600001.

Submissions (5):

Baylor Genetics
Classification: Pathogenic for Heart defects, congenital, and other congenital anomalies. Last evaluated: 2022-10-16. Review status: criteria provided, single submitter. Criteria: ACMG Guidelines, 2015. Collection method: clinical testing. Allele origin: unknown.

Revvity Omics, Revvity
Classification: Pathogenic. Last evaluated: 2021-07-14. Review status: criteria provided, single submitter. Criteria: ACMG Guidelines, 2015. Collection method: clinical testing. Allele origin: germline.

HudsonAlpha Institute for Biotechnology
Classification: Pathogenic for Heart defects, congenital, and other congenital anomalies. Last evaluated: 2018-04-18. Review status: criteria provided, single submitter. Criteria: ACMG Guidelines, 2015. Collection method: research. Allele origin: de novo. Affected: yes. Observed: 1 variant allele. Study: CSER-SouthSeq.
Comment: ACMG codes: PS2, PS4M, PM2, PP3, PP4

Genetic Services Laboratory, University of Chicago
Classification: Likely pathogenic. Last evaluated: 2017-07-18. Review status: criteria provided, single submitter. Criteria: ACMG Guidelines, 2015. Collection method: clinical testing. Allele origin: germline. Affected: yes.

OMIM
Classification: Pathogenic for HEART DEFECTS, CONGENITAL, AND OTHER CONGENITAL ANOMALIES. Last evaluated: 2011-12-11. Review status: no assertion criteria provided. Collection method: literature only. Allele origin: germline. Not counted in ClinVar's aggregate classification.

Literature cited by the submitters: PubMed 22158542 (cited by OMIM).